The following is an entry in ClinVar:

NM_001282225.2(ADA2):c.916C>G (p.Arg306Gly)

Gene: ADA2 (adenosine deaminase 2; minus strand). Cytogenetic location: 22q11.1.
Variant type: single nucleotide variant.
Coding change: c.916C>G on transcript NM_001282225.2 (MANE Select); coding-DNA position 916, C replaced by G.
Protein change: p.Arg306Gly; replaces arginine 306 with glycine.
Molecular consequence: missense variant.
Genome position (GRCh38, 1-based): chr22:17,189,998, G>C on the plus strand (C>G on the coding strand, the complement: ADA2 is on the minus strand). VCF-style: chr22-17189998-G-C. GRCh37 (hg19) VCF-style: chr22-17670888-G-C.
Other names: c.916C>G, p.Arg306Gly (NM_001282226.2); c.790C>G, p.Arg264Gly (NM_001282227.2, NM_001282228.2); c.556C>G, p.Arg186Gly (NM_001282229.2); c.193C>G, p.Arg65Gly (NM_177405.3); short protein forms R186G, R264G, R306G, R65G.
Identifiers: ClinVar variation 1055693 (VCV001055693.10), dbSNP rs774963498, ClinGen allele CA410233765.

ClinVar aggregate classification (germline): Uncertain significance. Review status: criteria provided, multiple submitters, no conflicts (2 of 4 stars). 2 submissions from 2 submitters: Uncertain significance (2). Last evaluated 2025-03-31.

Conditions:
Deficiency of adenosine deaminase 2. Also called: Polyarteritis nodosa, childhoood-onset; Adenosine Deaminase 2 Deficiency; VASCULITIS, AUTOINFLAMMATION, IMMUNODEFICIENCY, AND HEMATOLOGIC DEFECTS SYNDROME. Identifiers: Orphanet 404553, MedGen C3887654, MONDO:0014306, OMIM 615688, MONDO:0100317.
Sneddon syndrome (SNDNS). Also called: LIVEDO RETICULARIS AND CEREBROVASCULAR ACCIDENTS; Idiopathic livedo reticularis with systemic involvement. Identifiers: Orphanet 820, MedGen C0282492, MONDO:0008436, OMIM 182410.

gnomAD v4.1: 2 of 1,613,794 alleles (0.00012%); highest among the groups gnomAD compares: Admixed American, 0.0033%; no homozygotes.

Submissions (2):

Labcorp Genetics (formerly Invitae), Labcorp
Classification: Uncertain significance for Deficiency of adenosine deaminase 2. Last evaluated: 2025-03-31. Review status: criteria provided, single submitter. Criteria: Invitae Variant Classification Sherloc (09022015). Collection method: clinical testing. Allele origin: germline.
Comment: This sequence change replaces arginine, which is basic and polar, with glycine, which is neutral and non-polar, at codon 306 of the ADA2 protein (p.Arg306Gly). This variant is not present in population databases (gnomAD no frequency). This variant has not been reported in the literature in individuals affected with ADA2-related conditions. ClinVar contains an entry for this variant (Variation ID: 1055693). Invitae Evidence Modeling of protein sequence and biophysical properties (such as structural, functional, and spatial information, amino acid conservation, physicochemical variation, residue mobility, and thermodynamic stability) has been performed for this missense variant. However, the output from this modeling did not meet the statistical confidence thresholds required to predict the impact of this variant on ADA2 protein function. In summary, the available evidence is currently insufficient to determine the role of this variant in disease. Therefore, it has been classified as a Variant of Uncertain Significance.

Fulgent Genetics
Classification: Uncertain significance for Sneddon syndrome; Deficiency of adenosine deaminase 2. Last evaluated: 2024-05-26. Review status: criteria provided, single submitter. Criteria: ACMG Guidelines, 2015. Collection method: clinical testing. Allele origin: germline.